The following is an entry in ClinVar:

ClinVar aggregate classification (germline): Likely benign (0 of 4 stars; one submission).

Conditions:
ALG3-related disorder. Also called: ALG3-related condition.

Allele frequency attached by ClinVar (database versions not stated): ExAC 0.00003; ESP Exome Variant Server 0.00016.
gnomAD v4.1: 27 of 1,613,526 alleles (0.0017%); highest among the groups gnomAD compares: African/African-American, 0.031%; no homozygotes.

Submission:

PreventionGenetics, part of Exact Sciences
Classification: Likely benign for ALG3-related condition. Last evaluated: 2020-09-25. Review status: no assertion criteria provided. Collection method: clinical testing. Allele origin: germline.
Comment: This variant is classified as likely benign based on ACMG/AMP sequence variant interpretation guidelines (Richards et al. 2015 PMID: 25741868, with internal and published modifications).

NM_005787.6(ALG3):c.1154+5C>T

Gene: ALG3 (ALG3 alpha-1,3- mannosyltransferase; minus strand). Cytogenetic location: 3q27.1.
Variant type: single nucleotide variant.
Coding change: c.1154+5C>T on transcript NM_005787.6 (MANE Select); 5 bases into the intron after coding-DNA position 1154, C replaced by T.
Molecular consequence: intron variant.
Genome position (GRCh38, 1-based): chr3:184,242,808, G>A on the plus strand (C>T on the coding strand, the complement: ALG3 is on the minus strand). VCF-style: chr3-184242808-G-A. GRCh37 (hg19) VCF-style: chr3-183960596-G-A.
Other names: c.1010+5C>T (NM_001006941.2).
Identifiers: ClinVar variation 3033031 (VCV003033031.2), dbSNP rs372929338, ClinGen allele CA2729305.